The following is an entry in ClinVar:

ClinVar aggregate classification (germline): Uncertain significance (1 of 4 stars; one submission).

gnomAD v4.1: 4 of 1,614,006 alleles (0.00025%); highest among the groups gnomAD compares: South Asian, 0.0011%; no homozygotes.

Submission:

Labcorp Genetics (formerly Invitae), Labcorp
Classification: Uncertain significance. Last evaluated: 2024-09-14. Review status: criteria provided, single submitter. Criteria: Invitae Variant Classification Sherloc (09022015). Collection method: clinical testing. Allele origin: germline.
Comment: This sequence change replaces aspartic acid, which is acidic and polar, with asparagine, which is neutral and polar, at codon 54 of the SAMD9L protein (p.Asp54Asn). This variant is not present in population databases (gnomAD no frequency). This variant has not been reported in the literature in individuals affected with SAMD9L-related conditions. An algorithm developed to predict the effect of missense changes on protein structure and function (PolyPhen-2) suggests that this variant is likely to be disruptive. In summary, the available evidence is currently insufficient to determine the role of this variant in disease. Therefore, it has been classified as a Variant of Uncertain Significance.

NM_152703.5(SAMD9L):c.160G>A (p.Asp54Asn)

Gene: SAMD9L (sterile alpha motif domain containing 9 like; minus strand). Cytogenetic location: 7q21.2.
Variant type: single nucleotide variant.
Coding change: c.160G>A on transcript NM_152703.5 (MANE Select); coding-DNA position 160, G replaced by A.
Protein change: p.Asp54Asn; replaces aspartic acid 54 with asparagine.
Molecular consequence: missense variant.
Genome position (GRCh38, 1-based): chr7:93,135,812, C>T on the plus strand (G>A on the coding strand, the complement: SAMD9L is on the minus strand). VCF-style: chr7-93135812-C-T. GRCh37 (hg19) VCF-style: chr7-92765125-C-T.
Other names: c.160G>A, p.Asp54Asn (NM_001303496.3, NM_001303497.3, NM_001303498.3 and 5 more transcripts); short protein forms D54N.
Identifiers: ClinVar variation 3604555 (VCV003604555.2).
Genomic context (GRCh38, chr7:93,135,812, plus strand): 5'-TGTTGTATGAACGTTTTATCAAAAGTGCTGGACCCCATGGTAGCCCCATTTCTACAAGGT[C>T]CTTCTCAGTTAATTCCTGCAGGACTAATCCTGTTACTTCTTCACTGAGCAGAATTTGCCC-3'
Protein context (NP_689916.2, residues 44-64): GLVLQELTEK[Asp54Asn]LVEMGLPWGP